The following is an entry in ClinVar:

ClinVar aggregate classification (germline): Uncertain significance (1 of 4 stars; one submission).

Conditions:
Inborn genetic diseases. Identifiers: MedGen C0950123, MeSH D030342.

Submission:

Ambry Genetics
Classification: Uncertain significance for Inborn genetic diseases. Last evaluated: 2026-04-12. Review status: criteria provided, single submitter. Criteria: Ambry Variant Classification Scheme 2023. Collection method: clinical testing. Allele origin: germline.
Comment: The p.P725S variant (also known as c.2173C>T), located in coding exon 19 of the KDM1A gene, results from a C to T substitution at nucleotide position 2173. The proline at codon 725 is replaced by serine, an amino acid with similar properties. This amino acid position is conserved. In addition, this alteration is predicted to be deleterious by in silico analysis. Based on the available evidence, the clinical significance of this variant remains unclear.

NM_001009999.3(KDM1A):c.2173C>T (p.Pro725Ser)

Gene: KDM1A (lysine demethylase 1A; plus strand). Cytogenetic location: 1p36.12.
Variant type: single nucleotide variant.
Coding change: c.2173C>T on transcript NM_001009999.3 (MANE Select); coding-DNA position 2173, C replaced by T.
Protein change: p.Pro725Ser; replaces proline 725 with serine.
Molecular consequence: missense variant.
Genome position (GRCh38, 1-based): chr1:23,081,448, C>T. VCF-style: chr1-23081448-C-T. GRCh37 (hg19) VCF-style: chr1-23407941-C-T.
Other names: c.2119C>T, p.Pro707Ser (NM_001363654.2); c.2179C>T, p.Pro727Ser (NM_001410762.1); c.2101C>T, p.Pro701Ser (NM_001410763.1, NM_015013.4); short protein forms P701S, P707S, P725S, P727S.
Identifiers: ClinVar variation 4858712 (VCV004858712.1).